The following is an entry in ClinVar:

ClinVar aggregate classification (germline): Uncertain significance (1 of 4 stars; one submission).

Conditions:
Nephronophthisis. Also called: Juvenile Nephronophthisis. Identifiers: Orphanet 655, MedGen C0687120, MONDO:0019005, HP:0000090.

Allele frequency attached by ClinVar (database versions not stated): gnomAD exomes below 0.00001; TOPMed below 0.00001; gnomAD 0.00001.
gnomAD v4.1: 6 of 1,583,728 alleles (0.00038%); highest among the groups gnomAD compares: Non-Finnish European, 0.00052%; no homozygotes.

Submission:

Labcorp Genetics (formerly Invitae), Labcorp
Classification: Uncertain significance for Nephronophthisis. Last evaluated: 2022-02-07. Review status: criteria provided, single submitter. Criteria: Invitae Variant Classification Sherloc (09022015). Collection method: clinical testing. Allele origin: germline.
Comment: In summary, the available evidence is currently insufficient to determine the role of this variant in disease. Therefore, it has been classified as a Variant of Uncertain Significance. Algorithms developed to predict the effect of missense changes on protein structure and function (SIFT, PolyPhen-2, Align-GVGD) all suggest that this variant is likely to be tolerated. This variant has not been reported in the literature in individuals affected with IQCB1-related conditions. This variant is not present in population databases (gnomAD no frequency). This sequence change replaces glutamine, which is neutral and polar, with histidine, which is basic and polar, at codon 287 of the IQCB1 protein (p.Gln287His).

NM_001023570.4(IQCB1):c.861G>T (p.Gln287His)

Gene: IQCB1 (IQ motif containing B1; minus strand). Cytogenetic location: 3q13.33.
Variant type: single nucleotide variant.
Coding change: c.861G>T on transcript NM_001023570.4 (MANE Select); coding-DNA position 861, G replaced by T.
Protein change: p.Gln287His; replaces glutamine 287 with histidine.
Molecular consequence: missense variant. On other transcripts: non-coding transcript variant (1), intron variant (1).
Genome position (GRCh38, 1-based): chr3:121,797,133, C>A on the plus strand (G>T on the coding strand, the complement: IQCB1 is on the minus strand). VCF-style: chr3-121797133-C-A. GRCh37 (hg19) VCF-style: chr3-121515980-C-A.
Other names: c.861G>T, p.Gln287His (NM_001319107.2); c.588-6918G>T (NM_001023571.4); short protein forms Q287H.
Identifiers: ClinVar variation 2148206 (VCV002148206.4), dbSNP rs1949226136, ClinGen allele CA354120288.